The following is an entry in ClinVar:

NM_001034853.2(RPGR):c.237_238del (p.Val81fs)

Gene: RPGR (retinitis pigmentosa GTPase regulator; minus strand). Cytogenetic location: Xp11.4.
Variant type: Deletion.
Coding change: c.237_238del on transcript NM_001034853.2 (MANE Select); coding-DNA positions 237 to 238, 2 bases deleted (AT; older notation c.237_238delAT).
Protein change: p.Val81fs; shifts the reading frame from valine 81.
Molecular consequence: frameshift variant. On other transcripts: non-coding transcript variant (6).
Genome position (GRCh38, 1-based): chrX:38,322,862-38,322,863, AT deleted on the plus strand (AT on the coding strand, the reverse complement: RPGR is on the minus strand). VCF-style (leftmost placement, unchanged base first): chrX-38322861-CAT-C. GRCh37 (hg19) VCF-style: chrX-38182114-CAT-C.
Other names: c.237_238del, p.Val81fs (NM_000328.3, NM_001367245.1, NM_001367246.1 and 4 more transcripts); c.267_268del, p.Val91fs (NM_001367248.1); short protein forms V81fs, V91fs.
Identifiers: ClinVar variation 98763 (VCV000098763.3), dbSNP rs62650215, ClinGen allele CA226392.

ClinVar aggregate classification (germline): Pathogenic. Review status: criteria provided, single submitter (1 of 4 stars). 2 submissions from 2 submitters: Pathogenic (1). 1 of the submissions does not count toward it. Last evaluated 2026-01-26.

Conditions:
Primary ciliary dyskinesia. Also called: Ciliary dyskinesia. Identifiers: Orphanet 244, MedGen C0008780, MONDO:0016575, HP:0012265.

Submissions (2):

Labcorp Genetics (formerly Invitae), Labcorp
Classification: Pathogenic for Primary ciliary dyskinesia. Last evaluated: 2026-01-26. Review status: criteria provided, single submitter. Criteria: Invitae Variant Classification Sherloc (09022015). Collection method: clinical testing. Allele origin: germline.
Comment: This sequence change creates a premature translational stop signal (p.Val81Glnfs*6) in the RPGR gene. It is expected to result in an absent or disrupted protein product. Loss-of-function variants in RPGR are known to be pathogenic (PMID: 16055928, 16969763). This variant is not present in population databases (gnomAD no frequency). This premature translational stop signal has been observed in individual(s) with RPGR-related conditions (PMID: 36460718). ClinVar contains an entry for this variant (Variation ID: 98763). For these reasons, this variant has been classified as Pathogenic.

Retina International
No classification provided. Review status: no classification provided. Collection method: not provided. Allele origin: not provided. Not counted in ClinVar's aggregate classification.

Literature cited by the submitters: PubMed 16055928 (cited by Labcorp Genetics (formerly Invitae), Labcorp); PubMed 16969763 (cited by Labcorp Genetics (formerly Invitae), Labcorp); PubMed 36460718 (cited by Labcorp Genetics (formerly Invitae), Labcorp).